The following is an entry in ClinVar:

ClinVar aggregate classification (germline): Pathogenic. Review status: criteria provided, multiple submitters, no conflicts (2 of 4 stars). 2 submissions from 2 submitters: Pathogenic (2). Last evaluated 2025-10-21.

Conditions:
Hereditary cancer-predisposing syndrome. Also called: Tumor predisposition; Hereditary neoplastic syndrome; Neoplastic Syndromes, Hereditary; Hereditary Cancer Syndrome. Identifiers: Orphanet 140162, MedGen C0027672, MeSH D009386, MONDO:0015356.
Retinoblastoma (RB1). Also called: RETINOBLASTOMA, SOMATIC. Identifiers: Orphanet 790, MedGen C0035335, MeSH D012175, MONDO:0008380, OMIM 180200, HP:0009919. Disease mechanism: loss of function. Inheritance: Both sporadic and heritable forms are tested..

Submissions (2):

Labcorp Genetics (formerly Invitae), Labcorp
Classification: Pathogenic for Retinoblastoma. Last evaluated: 2025-10-21. Review status: criteria provided, single submitter. Criteria: Invitae Variant Classification Sherloc (09022015). Collection method: clinical testing. Allele origin: germline.
Comment: This sequence change creates a premature translational stop signal (p.Arg7Glufs*58) in the RB1 gene. It is expected to result in an absent or disrupted protein product. Loss-of-function variants in RB1 are known to be pathogenic (PMID: 17096365). The frequency data for this variant in the population databases is considered unreliable, as metrics indicate poor data quality at this position in the gnomAD database. This premature translational stop signal has been observed in individual(s) with retinoblastoma (PMID: 26925970). ClinVar contains an entry for this variant (Variation ID: 1073217). For these reasons, this variant has been classified as Pathogenic.

Ambry Genetics
Classification: Pathogenic for Hereditary cancer-predisposing syndrome. Last evaluated: 2024-02-12. Review status: criteria provided, single submitter. Criteria: Ambry Variant Classification Scheme 2023. Collection method: clinical testing. Allele origin: germline.
Comment: The c.19delC pathogenic mutation, located in coding exon 1 of the RB1 gene, results from a deletion of one nucleotide at nucleotide position 19, causing a translational frameshift with a predicted alternate stop codon (p.R7Efs*58). This variant was reported in a patient with unilateral retinoblastoma; it was also reported in five unaffected relatives (Eloy P et al. PLoS Genet, 2016 Feb;12:e1005888). This alteration is expected to result in loss of function by premature protein truncation or nonsense-mediated mRNA decay. As such, this alteration is interpreted as a disease-causing mutation.

Literature cited by the submitters: PubMed 17096365 (cited by Labcorp Genetics (formerly Invitae), Labcorp); PubMed 26925970 (cited by Labcorp Genetics (formerly Invitae), Labcorp and Ambry Genetics).

NM_000321.3(RB1):c.19del (p.Arg7fs)

Gene: RB1 (RB transcriptional corepressor 1; plus strand). Cytogenetic location: 13q14.2.
Variant type: Deletion.
Coding change: c.19del on transcript NM_000321.3 (MANE Select); coding-DNA position 19, one base deleted (C; older notation c.19delC).
Protein change: p.Arg7fs; shifts the reading frame from arginine 7.
Molecular consequence: frameshift variant.
Genome position (GRCh38, 1-based): chr13:48,303,931, C deleted; the last of 6 consecutive C bases (chr13:48,303,926-48,303,931); deleting any one gives the same sequence. VCF-style (leftmost placement, unchanged base first): chr13-48303925-AC-A. GRCh37 (hg19) VCF-style: chr13-48878061-AC-A.
Other names: c.19delC (NM_000321.2); short protein forms R7fs.
Identifiers: ClinVar variation 1073217 (VCV001073217.10), dbSNP rs1131690852, ClinGen allele CA609859294.